The following is an entry in ClinVar:

ClinVar aggregate classification (germline): Likely pathogenic. Review status: criteria provided, single submitter (1 of 4 stars). 3 submissions from 3 submitters: Likely pathogenic (1). 2 of the submissions do not count toward it. Last evaluated 2024-09-23.

Conditions:
CDKL5 disorder. Identifiers: MedGen CN296942, MONDO:0100039.
Developmental and epileptic encephalopathy, 2 (DEE2). Also called: INFANTILE SPASM SYNDROME, X-LINKED 2; CDKL5 deficiency disorder. Identifiers: Orphanet 1934, Orphanet 3451, Orphanet 505652, MedGen C4750718, MONDO:0010396, OMIM 300672.
Atypical Rett syndrome. Also called: Variant Rett Syndrome; Rett like syndrome. Identifiers: Orphanet 3095, MedGen C2748910, MONDO:0017746.

Submissions (3):

Centre for Population Genomics, CPG
Classification: Likely pathogenic for CDKL5 disorder. Last evaluated: 2024-09-23. Review status: criteria provided, single submitter. Criteria: McKnight et al. (Hum Mutat. 2022). Collection method: curation. Allele origin: germline. Inheritance: X-linked inheritance.
Comment: This variant has been collected from RettBASE and curated to current modified ACMG/AMP criteria. Based on the classification scheme defined by the ClinGen Rett/Angelman-like Expert Panel for Rett/AS-like Disorders Specifications to the ACMG/AMP Variant Interpretation Guidelines VCEP 3.0, this variant is classified as likely pathogenic. At least the following criteria are met: This variant has been identified as a de novo occurrence in at least 2 individuals with CDKL5 disorder, without confirmation of paternity and maternity (PM6_Strong, PMID: 15499549). At least one individual with this variant has been reported with a clinical phenotype consistent with CDKL5- related condition (PP4, PMID: 15499549). This variant is absent from gnomAD (PM2_Supporting).

RettBASE
Classification: Pathogenic for Atypical Rett syndrome. Last evaluated: 2014-03-13. Review status: no assertion criteria provided. Collection method: curation. Allele origin: unknown. Affected: yes. Observed: 3 variant alleles. Not counted in ClinVar's aggregate classification.
Comment: In vitro study (Ricciardi et al 2009) shows abnormal nuclear speckles; In silico prediction: SIFT = deleterious, MutationTaster = disease-causing, PolyPhen2 = probably damaging, AlignGVGD = benign (C0)

OMIM
Classification: Pathogenic for DEVELOPMENTAL AND EPILEPTIC ENCEPHALOPATHY 2. Last evaluated: 2004-12-01. Review status: no assertion criteria provided. Collection method: literature only. Allele origin: germline. Not counted in ClinVar's aggregate classification.

Literature cited by the submitters: PubMed 15499549 (cited by RettBASE and OMIM); PubMed 22430159 (cited by RettBASE).

NM_001323289.2(CDKL5):c.525A>T (p.Arg175Ser)

Gene: CDKL5 (cyclin dependent kinase like 5; plus strand). Cytogenetic location: Xp22.13.
Variant type: single nucleotide variant.
Coding change: c.525A>T on transcript NM_001323289.2 (MANE Select); coding-DNA position 525, A replaced by T.
Protein change: p.Arg175Ser; replaces arginine 175 with serine.
Molecular consequence: missense variant.
Genome position (GRCh38, 1-based): chrX:18,584,324, A>T. VCF-style: chrX-18584324-A-T. GRCh37 (hg19) VCF-style: chrX-18602444-A-T.
Other names: NM_001323289.2(CDKL5):c.525A>T; c.525A>T, p.Arg175Ser (NM_001037343.2, NM_003159.3); short protein forms R175S.
Identifiers: ClinVar variation 11497 (VCV000011497.5), dbSNP rs61749700, ClinGen allele CA121517.